The following is an entry in ClinVar:

ClinVar aggregate classification (germline): Uncertain significance (1 of 4 stars; one submission).

Conditions:
LAMA2-related muscular dystrophy (LAMA2-RD). Also called: Laminin alpha 2-related dystrophy. Identifiers: MedGen C5679788, MONDO:0100228.

gnomAD v4.1: 4 of 1,613,120 alleles (0.00025%); highest among the groups gnomAD compares: East Asian, 0.0089%; no homozygotes.

Submission:

Labcorp Genetics (formerly Invitae), Labcorp
Classification: Uncertain significance for LAMA2-related muscular dystrophy. Last evaluated: 2025-04-21. Review status: criteria provided, single submitter. Criteria: Invitae Variant Classification Sherloc (09022015). Collection method: clinical testing. Allele origin: germline.
Comment: This sequence change replaces isoleucine, which is neutral and non-polar, with phenylalanine, which is neutral and non-polar, at codon 1474 of the LAMA2 protein (p.Ile1474Phe). This variant is present in population databases (rs759584828, gnomAD 0.01%). This variant has not been reported in the literature in individuals affected with LAMA2-related conditions. Invitae Evidence Modeling of protein sequence and biophysical properties (such as structural, functional, and spatial information, amino acid conservation, physicochemical variation, residue mobility, and thermodynamic stability) indicates that this missense variant is not expected to disrupt LAMA2 protein function with a negative predictive value of 95%. In summary, the available evidence is currently insufficient to determine the role of this variant in disease. Therefore, it has been classified as a Variant of Uncertain Significance.

NM_000426.4(LAMA2):c.4420A>T (p.Ile1474Phe)

Gene: LAMA2 (laminin subunit alpha 2; plus strand). Cytogenetic location: 6q22.33.
Variant type: single nucleotide variant.
Coding change: c.4420A>T on transcript NM_000426.4 (MANE Select); coding-DNA position 4420, A replaced by T.
Protein change: p.Ile1474Phe; replaces isoleucine 1474 with phenylalanine.
Molecular consequence: missense variant.
Genome position (GRCh38, 1-based): chr6:129,342,451, A>T. VCF-style: chr6-129342451-A-T. GRCh37 (hg19) VCF-style: chr6-129663596-A-T.
Other names: c.4420A>T, p.Ile1474Phe (NM_001079823.2); short protein forms I1474F.
Identifiers: ClinVar variation 4748402 (VCV004748402.1).